The following is an entry in ClinVar:

ClinVar aggregate classification (germline): Benign. Review status: criteria provided, multiple submitters, no conflicts (2 of 4 stars). 3 submissions from 3 submitters: Benign (3). Last evaluated 2026-09-01.

Allele frequency attached by ClinVar (database versions not stated): 1000 Genomes Project 30x 0.00297; 1000 Genomes Project 0.00300; gnomAD 0.00436 and 0.00475; TOPMed 0.00475; gnomAD exomes 0.00588 and 0.00657; ESP Exome Variant Server 0.00601; ExAC 0.00635.
gnomAD v4.1: 10,438 of 1,610,272 alleles (0.65%); highest among the groups gnomAD compares: Middle Eastern, 1.7%; 51 homozygotes.

Submissions (3):

CeGaT Center for Human Genetics Tuebingen
Classification: Benign. Last evaluated: 2026-09-01. Review status: criteria provided, single submitter. Criteria: CeGaT Center For Human Genetics Tuebingen Variant Classification Criteria Version 2. Collection method: clinical testing. Allele origin: germline. Affected: yes. Observed: 12 variant alleles.
Comment: POLRMT: BP4, BP7, BS1, BS2

Labcorp Genetics (formerly Invitae), Labcorp
Classification: Benign. Last evaluated: 2018-07-10. Review status: criteria provided, single submitter. Criteria: Invitae Variant Classification Sherloc (09022015). Collection method: clinical testing. Allele origin: germline.

Breakthrough Genomics
Classification: Benign. Review status: criteria provided, single submitter. Criteria: ACMG Guidelines, 2015. Collection method: not provided. Allele origin: germline. Inheritance: Autosomal recessive inheritance. Affected: yes.

NM_005035.4(POLRMT):c.723C>T (p.Leu241=)

Gene: POLRMT (RNA polymerase mitochondrial; minus strand). Cytogenetic location: 19p13.3.
Variant type: single nucleotide variant.
Coding change: c.723C>T on transcript NM_005035.4 (MANE Select); coding-DNA position 723, C replaced by T.
Protein change: p.Leu241=; no amino-acid change (leucine 241 retained).
Molecular consequence: synonymous variant.
Genome position (GRCh38, 1-based): chr19:629,639, G>A on the plus strand (C>T on the coding strand, the complement: POLRMT is on the minus strand). VCF-style: chr19-629639-G-A. GRCh37 (hg19) VCF-style: chr19-629639-G-A.
Identifiers: ClinVar variation 782163 (VCV000782163.26), dbSNP rs61743197, ClinGen allele CA9020653.